The following is an entry in ClinVar:

NC_012920.1(MT-RNR1):m.1107T>C

Gene: MT-RNR1 (mitochondrially encoded 12S RNA; plus strand).
Variant type: single nucleotide variant.
Genome position: chrM-1107-T-C.
Identifiers: ClinVar variation 42207 (VCV000042207.4), dbSNP rs111033323, ClinGen allele CA130994.

ClinVar aggregate classification (germline): Benign (1 of 4 stars; one submission).

Submission:

Laboratory for Molecular Medicine, Mass General Brigham Personalized Medicine
Classification: Benign. Last evaluated: 2012-06-08. Review status: criteria provided, single submitter. Criteria: LMM Criteria. Collection method: clinical testing. Allele origin: germline. Observed: 5 variant alleles.
Comment: 1107T>C in MTRNR1: This variant is not expected to have clinical significance as it is common and at similar afrequencies in individuals with hearing loss and i n controls (Li 2005, Tang 2007, Bilal 2008, Lu 2010). Moreover, this region of mitochondrial DNA is not evolutionarily conserved (Lu 2010) and this variant is part of known polymorphisms associated with mitochond rial haplogroups (Tanaka 2004, Lu 2010). In summary, there is no clear data to s upport a disease-associated role or risk for ototoxicity and the population freq uency of the variant suggests that it is benign.

Literature cited by the submitters: PubMed 17698299; PubMed 17341440; PubMed 15841390; PubMed 7723627; PubMed 20100600; PubMed 18545700; PubMed 15466285.